The following is an entry in ClinVar:

ClinVar aggregate classification (germline): Benign/Likely benign. Review status: criteria provided, multiple submitters, no conflicts (2 of 4 stars). 3 submissions from 3 submitters: Benign (1); Likely benign (1). 1 of the submissions does not count toward it. Last evaluated 2025-04-01.

Conditions:
DNAH10-related disorder. Also called: DNAH10-related condition.

Allele frequency attached by ClinVar (database versions not stated): ESP Exome Variant Server 0.00100; TOPMed 0.00123; 1000 Genomes Project 0.00140; 1000 Genomes Project 30x 0.00141.
gnomAD v4.1: 3,140 of 1,606,676 alleles (0.2%); highest among the groups gnomAD compares: South Asian, 0.27%; 11 homozygotes.

Submissions (3):

CeGaT Center for Human Genetics Tuebingen
Classification: Benign. Last evaluated: 2025-04-01. Review status: criteria provided, single submitter. Criteria: CeGaT Center For Human Genetics Tuebingen Variant Classification Criteria Version 2. Collection method: clinical testing. Allele origin: germline. Affected: yes. Observed: 2 variant alleles.
Comment: DNAH10: PP2, BS1, BS2

Labcorp Genetics (formerly Invitae), Labcorp
Classification: Likely benign. Last evaluated: 2017-09-12. Review status: criteria provided, single submitter. Criteria: Invitae Variant Classification Sherloc (09022015). Collection method: clinical testing. Allele origin: germline.

PreventionGenetics, part of Exact Sciences
Classification: Likely benign for DNAH10-related condition. Last evaluated: 2019-10-15. Review status: no assertion criteria provided. Collection method: clinical testing. Allele origin: germline. Not counted in ClinVar's aggregate classification.
Comment: This variant is classified as likely benign based on ACMG/AMP sequence variant interpretation guidelines (Richards et al. 2015 PMID: 25741868, with internal and published modifications).

NM_001372106.1(DNAH10):c.12281T>C (p.Ile4094Thr)

Genes: DNAH10 (dynein axonemal heavy chain 10; plus strand), DNAH10OS (dynein axonemal heavy chain 10 opposite strand; minus strand). Cytogenetic location: 12q24.31.
Variant type: single nucleotide variant.
Coding change: c.12281T>C on transcript NM_001372106.1 (MANE Select); coding-DNA position 12281, T replaced by C.
Protein change: p.Ile4094Thr; replaces isoleucine 4094 with threonine.
Molecular consequence: missense variant.
Genome position (GRCh38, 1-based): chr12:123,928,562, T>C. VCF-style: chr12-123928562-T-C. GRCh37 (hg19) VCF-style: chr12-124413109-T-C.
Other names: c.11927T>C, p.Ile3976Thr (NM_207437.3); short protein forms I3976T, I4094T.
Identifiers: ClinVar variation 711074 (VCV000711074.28), dbSNP rs182918679, ClinGen allele CA6865875.
Genomic context (GRCh38, chr12:123,928,562, plus strand): 5'-CCAAGCCCCACCCAGACTTCCGCCTGTGGCTCACCACGGACCCCACCAAGGGCTTCCCCA[T>C]TGGGATTCTGCAGAAGTCCCTAAAGGTCTGGCTTCAGGATGGACATCAACATGCCAGCAC-3'
Protein context (NP_001359035.1, residues 4084-4104): LTTDPTKGFP[Ile4094Thr]GILQKSLKVV